The following is an entry in ClinVar:

NM_006204.4(PDE6C):c.2410G>A (p.Gly804Ser)

Gene: PDE6C (phosphodiesterase 6C; plus strand). Cytogenetic location: 10q23.33.
Variant type: single nucleotide variant.
Coding change: c.2410G>A on transcript NM_006204.4 (MANE Select); coding-DNA position 2410, G replaced by A.
Protein change: p.Gly804Ser; replaces glycine 804 with serine.
Molecular consequence: missense variant.
Genome position (GRCh38, 1-based): chr10:93,663,070, G>A. VCF-style: chr10-93663070-G-A. GRCh37 (hg19) VCF-style: chr10-95422827-G-A.
Other names: short protein forms G804S.
Identifiers: ClinVar variation 934197 (VCV000934197.9), dbSNP rs1266890004, ClinGen allele CA377629203.

ClinVar aggregate classification (germline): Uncertain significance (1 of 4 stars; one submission).

Allele frequency attached by ClinVar (database versions not stated): gnomAD exomes below 0.00001; TOPMed below 0.00001; gnomAD 0.00001.

Submission:

Labcorp Genetics (formerly Invitae), Labcorp
Classification: Uncertain significance. Last evaluated: 2023-06-13. Review status: criteria provided, single submitter. Criteria: Invitae Variant Classification Sherloc (09022015). Collection method: clinical testing. Allele origin: germline.
Comment: In summary, the available evidence is currently insufficient to determine the role of this variant in disease. Therefore, it has been classified as a Variant of Uncertain Significance. Advanced modeling of protein sequence and biophysical properties (such as structural, functional, and spatial information, amino acid conservation, physicochemical variation, residue mobility, and thermodynamic stability) performed at Invitae indicates that this missense variant is not expected to disrupt PDE6C protein function. ClinVar contains an entry for this variant (Variation ID: 934197). This variant has not been reported in the literature in individuals affected with PDE6C-related conditions. This variant is not present in population databases (gnomAD no frequency). This sequence change replaces glycine, which is neutral and non-polar, with serine, which is neutral and polar, at codon 804 of the PDE6C protein (p.Gly804Ser).